The following is an entry in ClinVar:

NM_005051.3(QARS1):c.2317G>A (p.Gly773Arg)

Gene: QARS1 (glutaminyl-tRNA synthetase 1; minus strand). Cytogenetic location: 3p21.31.
Variant type: single nucleotide variant.
Coding change: c.2317G>A on transcript NM_005051.3 (MANE Select); coding-DNA position 2317, G replaced by A.
Protein change: p.Gly773Arg; replaces glycine 773 with arginine.
Molecular consequence: missense variant. On other transcripts: non-coding transcript variant (1).
Genome position (GRCh38, 1-based): chr3:49,096,040, C>T on the plus strand (G>A on the coding strand, the complement: QARS1 is on the minus strand). VCF-style: chr3-49096040-C-T. GRCh37 (hg19) VCF-style: chr3-49133473-C-T.
Other names: c.2284G>A, p.Gly762Arg (NM_001272073.2); short protein forms G762R, G773R.
Identifiers: ClinVar variation 950132 (VCV000950132.6), dbSNP rs762570876, ClinGen allele CA2391439.

ClinVar aggregate classification (germline): Uncertain significance. Review status: criteria provided, multiple submitters, no conflicts (2 of 4 stars). 2 submissions from 2 submitters: Uncertain significance (2). Last evaluated 2022-05-10.

Conditions:
Diffuse cerebral and cerebellar atrophy - intractable seizures - progressive microcephaly syndrome. Also called: Microcephaly, progressive, with seizures and cerebral and cerebellar atrophy. Identifiers: Orphanet 404437, MedGen C4014239, MONDO:0014335, OMIM 615760.

Allele frequency attached by ClinVar (database versions not stated): ExAC 0.00001; gnomAD 0.00001; gnomAD exomes 0.00001; TOPMed 0.00001.
gnomAD v4.1: 5 of 1,613,806 alleles (0.00031%); highest among the groups gnomAD compares: Admixed American, 0.0033%; no homozygotes.

Submissions (2):

Labcorp Genetics (formerly Invitae), Labcorp
Classification: Uncertain significance for Diffuse cerebral and cerebellar atrophy - intractable seizures - progressive microcephaly syndrome. Last evaluated: 2022-05-10. Review status: criteria provided, single submitter. Criteria: Invitae Variant Classification Sherloc (09022015). Collection method: clinical testing. Allele origin: germline.
Comment: This sequence change replaces glycine, which is neutral and non-polar, with arginine, which is basic and polar, at codon 773 of the QARS protein (p.Gly773Arg). This variant is present in population databases (rs762570876, gnomAD 0.006%). This variant has not been reported in the literature in individuals affected with QARS-related conditions. ClinVar contains an entry for this variant (Variation ID: 950132). Algorithms developed to predict the effect of missense changes on protein structure and function (SIFT, PolyPhen-2, Align-GVGD) all suggest that this variant is likely to be disruptive. In summary, the available evidence is currently insufficient to determine the role of this variant in disease. Therefore, it has been classified as a Variant of Uncertain Significance.

GeneDx
Classification: Uncertain significance. Last evaluated: 2022-02-01. Review status: criteria provided, single submitter. Criteria: GeneDx Variant Classification Process June 2021. Collection method: clinical testing. Allele origin: germline. Affected: yes.
Comment: Not observed at significant frequency in large population cohorts (gnomAD); In silico analysis supports that this missense variant has a deleterious effect on protein structure/function; Has not been previously published as pathogenic or benign to our knowledge